The following is an entry in ClinVar:

ClinVar aggregate classification (germline): Uncertain significance (1 of 4 stars; one submission).

Submission:

Ambry Genetics
Classification: Uncertain significance. Last evaluated: 2025-04-18. Review status: criteria provided, single submitter. Criteria: Ambry Variant Classification Scheme 2023. Collection method: clinical testing. Allele origin: germline.
Comment: The p.A104V variant (also known as c.311C>T), located in coding exon 3 of the SRP72 gene, results from a C to T substitution at nucleotide position 311. The alanine at codon 104 is replaced by valine, an amino acid with similar properties. This amino acid position is conserved. In addition, this alteration is predicted to be tolerated by in silico analysis. Based on the available evidence, the clinical significance of this variant remains unclear.

NM_006947.4(SRP72):c.311C>T (p.Ala104Val)

Gene: SRP72 (signal recognition particle 72; plus strand). Cytogenetic location: 4q12.
Variant type: single nucleotide variant.
Coding change: c.311C>T on transcript NM_006947.4 (MANE Select); coding-DNA position 311, C replaced by T.
Protein change: p.Ala104Val; replaces alanine 104 with valine.
Molecular consequence: missense variant. On other transcripts: non-coding transcript variant (1).
Genome position (GRCh38, 1-based): chr4:56,471,800, C>T. VCF-style: chr4-56471800-C-T. GRCh37 (hg19) VCF-style: chr4-57337966-C-T.
Other names: c.311C>T, p.Ala104Val (NM_001267722.2); short protein forms A104V.
Identifiers: ClinVar variation 3962075 (VCV003962075.1).